The following is an entry in ClinVar:

NM_001286.5(CLCN6):c.2112C>G (p.Asp704Glu)

Gene: CLCN6 (Cl-/H+ antiporter 6; plus strand). Cytogenetic location: 1p36.22.
Variant type: single nucleotide variant.
Coding change: c.2112C>G on transcript NM_001286.5 (MANE Select); coding-DNA position 2112, C replaced by G.
Protein change: p.Asp704Glu; replaces aspartic acid 704 with glutamic acid.
Molecular consequence: missense variant. On other transcripts: non-coding transcript variant (1).
Genome position (GRCh38, 1-based): chr1:11,837,130, C>G. VCF-style: chr1-11837130-C-G. GRCh37 (hg19) VCF-style: chr1-11897187-C-G.
Other names: c.2046C>G, p.Asp682Glu (NM_001256959.2); short protein forms D682E, D704E.
Identifiers: ClinVar variation 2737669 (VCV002737669.3), dbSNP rs2100658568, ClinGen allele CA338440070.

ClinVar aggregate classification (germline): Uncertain significance (1 of 4 stars; one submission).

Allele frequency attached by ClinVar (database versions not stated): gnomAD exomes below 0.00001.
gnomAD v4.1: 2 of 1,613,018 alleles (0.00012%); highest among the groups gnomAD compares: Admixed American, 0.0033%; no homozygotes.

Submission:

Labcorp Genetics (formerly Invitae), Labcorp
Classification: Uncertain significance. Last evaluated: 2025-10-26. Review status: criteria provided, single submitter. Criteria: Invitae Variant Classification Sherloc (09022015). Collection method: clinical testing. Allele origin: germline.
Comment: This sequence change replaces aspartic acid, which is acidic and polar, with glutamic acid, which is acidic and polar, at codon 704 of the CLCN6 protein (p.Asp704Glu). This variant is not present in population databases (gnomAD no frequency). This variant has not been reported in the literature in individuals affected with CLCN6-related conditions. ClinVar contains an entry for this variant (Variation ID: 2737669). An algorithm developed to predict the effect of missense changes on protein structure and function (PolyPhen-2) suggests that this variant is likely to be disruptive. In summary, the available evidence is currently insufficient to determine the role of this variant in disease. Therefore, it has been classified as a Variant of Uncertain Significance.